The following is an entry in ClinVar:

ClinVar aggregate classification (germline): Conflicting classifications of pathogenicity. Review status: criteria provided, conflicting classifications (1 of 4 stars). 2 submissions from 2 submitters: Uncertain significance (1); Likely benign (1). Last evaluated 2025-05-19.

Allele frequency attached by ClinVar (database versions not stated): gnomAD exomes 0.00004; 1000 Genomes Project 30x 0.00078.

Submissions (2):

Ambry Genetics
Classification: Uncertain significance. Last evaluated: 2025-05-19. Review status: criteria provided, single submitter. Criteria: Ambry Variant Classification Scheme 2023. Collection method: clinical testing. Allele origin: germline.

CeGaT Center for Human Genetics Tuebingen
Classification: Likely benign. Last evaluated: 2022-06-01. Review status: criteria provided, single submitter. Criteria: CeGaT Center For Human Genetics Tuebingen Variant Classification Criteria Version 2. Collection method: clinical testing. Allele origin: germline. Affected: yes. Observed: 1 variant allele.
Comment: AHNAK2: BP4

NM_138420.4(AHNAK2):c.8695G>C (p.Val2899Leu)

Gene: AHNAK2 (AHNAK nucleoprotein 2; minus strand). Cytogenetic location: 14q32.33.
Variant type: single nucleotide variant.
Coding change: c.8695G>C on transcript NM_138420.4 (MANE Select); coding-DNA position 8695, G replaced by C.
Protein change: p.Val2899Leu; replaces valine 2899 with leucine.
Molecular consequence: missense variant.
Genome position (GRCh38, 1-based): chr14:104,946,756, C>G on the plus strand (G>C on the coding strand, the complement: AHNAK2 is on the minus strand). VCF-style: chr14-104946756-C-G. GRCh37 (hg19) VCF-style: chr14-105413093-C-G.
Other names: c.8395G>C, p.Val2799Leu (NM_001350929.2); short protein forms V2799L, V2899L.
Identifiers: ClinVar variation 2459195 (VCV002459195.26), dbSNP rs751143580, ClinGen allele CA7379956.
Genomic context (GRCh38, chr14:104,946,756, plus strand): 5'-TGACGTCTATCTGGGGGCCCTTGAGATCCACTTTGGGCATCTTGAAACTGGGCATCTGCA[C>G]CTTGGGCAGGTGCCCTTTGAGGCCGGCTCCCTCGGGAACGTGGCCCTCTGGGAGTTTCAC-3'
Protein context (NP_612429.2, residues 2889-2909): GAGLKGHLPK[Val2899Leu]QMPSFKMPKV